The following is an entry in ClinVar:

ClinVar aggregate classification (germline): Uncertain significance (1 of 4 stars; one submission).

Conditions:
Hereditary cancer-predisposing syndrome. Also called: Neoplastic Syndromes, Hereditary; Tumor predisposition; Hereditary neoplastic syndrome; Hereditary Cancer Syndrome. Identifiers: Orphanet 140162, MedGen C0027672, MeSH D009386, MONDO:0015356.

gnomAD v4.1: 1 of 1,613,194 alleles (0.000062%); highest among the groups gnomAD compares: Non-Finnish European, 0.000085%; no homozygotes.

Submission:

Ambry Genetics
Classification: Uncertain significance for Hereditary cancer-predisposing syndrome. Last evaluated: 2026-07-07. Review status: criteria provided, single submitter. Criteria: Ambry Variant Classification Scheme 2023. Collection method: clinical testing. Allele origin: germline.
Comment: The p.P88L variant (also known as c.263C>T), located in coding exon 5 of the SDHC gene, results from a C to T substitution at nucleotide position 263. The proline at codon 88 is replaced by leucine, an amino acid with similar properties. This amino acid position is conserved. In addition, this alteration is predicted to be deleterious by in silico analysis. Based on the available evidence, the clinical significance of this variant remains unclear.

NM_003001.5(SDHC):c.427C>T (p.Leu143=)

Gene: SDHC (succinate dehydrogenase complex subunit C; plus strand). Cytogenetic location: 1q23.3.
Variant type: single nucleotide variant.
Coding change: c.427C>T on transcript NM_003001.5 (MANE Select); coding-DNA position 427, C replaced by T.
Protein change: p.Leu143=; no amino-acid change (leucine 143 retained).
Molecular consequence: synonymous variant. On other transcripts: missense variant (3), non-coding transcript variant (1).
Genome position (GRCh38, 1-based): chr1:161,362,350, C>T. VCF-style: chr1-161362350-C-T. GRCh37 (hg19) VCF-style: chr1-161332140-C-T.
Other names: c.263C>T, p.Pro88Leu (NM_001035511.3); c.325C>T, p.Leu109= (NM_001035512.3); c.268C>T, p.Leu90= (NM_001035513.3); c.161C>T, p.Pro54Leu (NM_001278172.3); c.547C>T, p.Leu183= (NM_001407115.1); c.370C>T, p.Leu124= (NM_001407116.1); c.364C>T, p.Leu122= (NM_001407117.1); c.319C>T, p.Leu107= (NM_001407118.1); and 2 more; short protein forms P54L, P69L, P88L.
Identifiers: ClinVar variation 5029349 (VCV005029349.1).